The following is an entry in ClinVar:

NM_001271.4(CHD2):c.4189A>T (p.Asn1397Tyr)

Gene: CHD2 (chromodomain helicase DNA binding protein 2; plus strand). Cytogenetic location: 15q26.1.
Variant type: single nucleotide variant.
Coding change: c.4189A>T on transcript NM_001271.4 (MANE Select); coding-DNA position 4189, A replaced by T.
Protein change: p.Asn1397Tyr; replaces asparagine 1397 with tyrosine.
Molecular consequence: missense variant.
Genome position (GRCh38, 1-based): chr15:93,002,228, A>T. VCF-style: chr15-93002228-A-T. GRCh37 (hg19) VCF-style: chr15-93545458-A-T.
Other names: short protein forms N1397Y.
Identifiers: ClinVar variation 2718890 (VCV002718890.3), dbSNP rs2505603034, ClinGen allele CA393900949.

ClinVar aggregate classification (germline): Uncertain significance (1 of 4 stars; one submission).

Conditions:
Developmental and epileptic encephalopathy 94 (DEE94). Also called: CHD2-Related Neurodevelopmental Disorders; Epileptic encephalopathy, childhood-onset. Identifiers: Orphanet 1942, Orphanet 2382, MedGen C3809278, MONDO:0014150, OMIM 615369.

Submission:

Labcorp Genetics (formerly Invitae), Labcorp
Classification: Uncertain significance for Developmental and epileptic encephalopathy 94. Last evaluated: 2023-06-18. Review status: criteria provided, single submitter. Criteria: Invitae Variant Classification Sherloc (09022015). Collection method: clinical testing. Allele origin: germline.
Comment: This sequence change replaces asparagine, which is neutral and polar, with tyrosine, which is neutral and polar, at codon 1397 of the CHD2 protein (p.Asn1397Tyr). In summary, the available evidence is currently insufficient to determine the role of this variant in disease. Therefore, it has been classified as a Variant of Uncertain Significance. Advanced modeling of protein sequence and biophysical properties (such as structural, functional, and spatial information, amino acid conservation, physicochemical variation, residue mobility, and thermodynamic stability) performed at Invitae indicates that this missense variant is not expected to disrupt CHD2 protein function. This variant has not been reported in the literature in individuals affected with CHD2-related conditions. This variant is not present in population databases (gnomAD no frequency).